The following is an entry in ClinVar:

NM_000051.4(ATM):c.5982A>G (p.Lys1994=)

Genes: C11orf65 (chromosome 11 open reading frame 65; minus strand), ATM (ATM serine/threonine kinase; plus strand). Cytogenetic location: 11q22.3.
Variant type: single nucleotide variant.
Coding change: c.5982A>G on transcript NM_000051.4 (MANE Select); coding-DNA position 5982, A replaced by G.
Protein change: p.Lys1994=; no amino-acid change (lysine 1994 retained).
Molecular consequence: synonymous variant. On other transcripts: intron variant (2).
Genome position (GRCh38, 1-based): chr11:108,312,474, A>G. VCF-style: chr11-108312474-A-G. GRCh37 (hg19) VCF-style: chr11-108183201-A-G.
Other names: c.5982A>G, p.Lys1994= (NM_001351834.2); c.641-3403T>C (NM_001330368.2); c.*39-3403T>C (NM_001351110.2).
Identifiers: ClinVar variation 1750849 (VCV001750849.6), dbSNP rs1209173070, ClinGen allele CA476675557.
Genomic context (GRCh38, chr11:108,312,474, plus strand): 5'-TCTTGCATTTGAAGAAGGAAGCCAGAGTACAACTATTTCTAGCTTGAGTGAAAAAAGTAA[A>G]GAAGAAACTGGAATAAGTTTACAGGTAAATATTAGAGGCTCTATTATTTATGACAGTATT-3'
Protein context (NP_000042.3, residues 1984-2004): TTISSLSEKS[Lys1994=]EETGISLQDL

ClinVar aggregate classification (germline): Conflicting classifications of pathogenicity. Review status: criteria provided, conflicting classifications (1 of 4 stars). 3 submissions from 3 submitters: Uncertain significance (1); Benign (1); Likely benign (1). Last evaluated 2024-05-28.

Conditions:
Familial cancer of breast. Also called: Hereditary breast cancer; hereditary breast carcinoma; BREAST CANCER, FAMILIAL. Identifiers: Orphanet 227535, MedGen C0346153, MONDO:0016419, OMIM 114480. Disease mechanism: loss of function.
Hereditary cancer-predisposing syndrome. Also called: Hereditary neoplastic syndrome; Neoplastic Syndromes, Hereditary; Tumor predisposition; Hereditary Cancer Syndrome. Identifiers: Orphanet 140162, MedGen C0027672, MeSH D009386, MONDO:0015356.
Ataxia-telangiectasia syndrome (AT). Also called: Ataxia telangiectasia (A-T); LOUIS-BAR SYNDROME; Cerebello-oculocutaneous telangiectasia; Immunodeficiency with ataxia telangiectasia; Ataxia-telangiectasia, complementation group D; AT, COMPLEMENTATION GROUP C. Identifiers: Orphanet 100, MedGen C0004135, MONDO:0008840, OMIM 208900.

Submissions (3):

Myriad Genetics, Inc.
Classification: Benign for Familial cancer of breast. Last evaluated: 2024-05-28. Review status: criteria provided, single submitter. Criteria: Myriad Autosomal Dominant, Autosomal Recessive and X-Linked Classification Criteria (2023). Collection method: clinical testing. Allele origin: unknown.
Comment: This variant is considered benign. This variant is a silent/synonymous amino acid change and it is not expected to impact splicing.

Labcorp Genetics (formerly Invitae), Labcorp
Classification: Likely benign for Ataxia-telangiectasia syndrome. Last evaluated: 2023-03-08. Review status: criteria provided, single submitter. Criteria: Invitae Variant Classification Sherloc (09022015). Collection method: clinical testing. Allele origin: germline.

Ambry Genetics
Classification: Uncertain significance for Hereditary cancer-predisposing syndrome. Last evaluated: 2021-04-09. Review status: criteria provided, single submitter. Criteria: Ambry Variant Classification Scheme 2023. Collection method: clinical testing. Allele origin: germline.
Comment: The c.5982A>G variant (also known as p.K1994K) is located in coding exon 39 of the ATM gene. This variant results from an A to G substitution at nucleotide position 5982. This nucleotide substitution does not change the lysine at codon 1994. This nucleotide position is not well conserved in available vertebrate species. In silico splice site analysis for this alteration is inconclusive. Since supporting evidence is limited at this time, the clinical significance of this alteration remains unclear.